The following is an entry in ClinVar:

ClinVar aggregate classification (germline): Uncertain significance. Review status: criteria provided, multiple submitters, no conflicts (2 of 4 stars). 2 submissions from 2 submitters: Uncertain significance (2). Last evaluated 2024-08-27.

Allele frequency attached by ClinVar (database versions not stated): TOPMed 0.00002; gnomAD 0.00003; ExAC 0.00004; 1000 Genomes Project 30x 0.00016; 1000 Genomes Project 0.00020.
gnomAD v4.1: 42 of 1,609,298 alleles (0.0026%); highest among the groups gnomAD compares: East Asian, 0.016%; no homozygotes.

Submissions (2):

Labcorp Genetics (formerly Invitae), Labcorp
Classification: Uncertain significance. Last evaluated: 2024-08-27. Review status: criteria provided, single submitter. Criteria: Invitae Variant Classification Sherloc (09022015). Collection method: clinical testing. Allele origin: germline.
Comment: This sequence change replaces serine, which is neutral and polar, with leucine, which is neutral and non-polar, at codon 120 of the IL17RD protein (p.Ser120Leu). This variant is present in population databases (rs570484286, gnomAD 0.01%). This variant has not been reported in the literature in individuals affected with IL17RD-related conditions. Invitae Evidence Modeling of protein sequence and biophysical properties (such as structural, functional, and spatial information, amino acid conservation, physicochemical variation, residue mobility, and thermodynamic stability) indicates that this missense variant is not expected to disrupt IL17RD protein function with a negative predictive value of 80%. In summary, the available evidence is currently insufficient to determine the role of this variant in disease. Therefore, it has been classified as a Variant of Uncertain Significance.

Ambry Genetics
Classification: Uncertain significance. Last evaluated: 2023-11-20. Review status: criteria provided, single submitter. Criteria: Ambry Variant Classification Scheme 2023. Collection method: clinical testing. Allele origin: germline.

NM_017563.5(IL17RD):c.359C>T (p.Ser120Leu)

Gene: IL17RD (interleukin 17 receptor D; minus strand). Cytogenetic location: 3p14.3.
Variant type: single nucleotide variant.
Coding change: c.359C>T on transcript NM_017563.5 (MANE Select); coding-DNA position 359, C replaced by T.
Protein change: p.Ser120Leu; replaces serine 120 with leucine.
Molecular consequence: missense variant. On other transcripts: 5 prime UTR variant (1).
Genome position (GRCh38, 1-based): chr3:57,110,263, G>A on the plus strand (C>T on the coding strand, the complement: IL17RD is on the minus strand). VCF-style: chr3-57110263-G-A. GRCh37 (hg19) VCF-style: chr3-57144291-G-A.
Other names: c.359C>T, p.Ser120Leu (NM_001080973.1); c.-74C>T (NM_001318864.2); short protein forms S120L.
Identifiers: ClinVar variation 3109176 (VCV003109176.3), dbSNP rs570484286, ClinGen allele CA2463097.